The following is an entry in ClinVar:

NM_198428.3(BBS9):c.2014C>T (p.Gln672Ter)

Gene: BBS9 (Bardet-Biedl syndrome 9; plus strand). Cytogenetic location: 7p14.3.
Variant type: single nucleotide variant.
Coding change: c.2014C>T on transcript NM_198428.3 (MANE Select); coding-DNA position 2014, C replaced by T.
Protein change: p.Gln672Ter; replaces glutamine 672 with a stop codon.
Molecular consequence: nonsense. On other transcripts: non-coding transcript variant (3).
Genome position (GRCh38, 1-based): chr7:33,388,043, C>T. VCF-style: chr7-33388043-C-T. GRCh37 (hg19) VCF-style: chr7-33427655-C-T.
Other names: c.1909C>T, p.Gln637Ter (NM_001033604.2); c.1999C>T, p.Gln667Ter (NM_001033605.2); c.2014C>T, p.Gln672Ter (NM_001348036.1, NM_001348041.4, NM_001348043.3 and 3 more transcripts); c.1648C>T, p.Gln550Ter (NM_001348037.3, NM_001348045.3, NM_001348046.3); c.1741C>T, p.Gln581Ter (NM_001348038.3); c.1636C>T, p.Gln546Ter (NM_001348039.3); c.1894C>T, p.Gln632Ter (NM_001348040.3, NM_014451.4); c.1879C>T, p.Gln627Ter (NM_001348042.3); and 1 more; short protein forms Q515*, Q546*, Q550*, Q581*, Q627*, Q632*, Q637*, Q667*.
Identifiers: ClinVar variation 3236397 (VCV003236397.2), dbSNP rs2536369263, ClinGen allele CA367253787.
Genomic context (GRCh38, chr7:33,388,043, plus strand): 5'-TCATTGCAGCTACGGATAAATGGTGAAAAATTAGAAGAACTCTTATCTGAGAGAGCTGTA[C>T]AATTTCGGGCCATTCAACGCCGGCTACTAGCAAGATTCAAAGATAAAACTCCTGCCCCTC-3'

ClinVar aggregate classification (germline): Pathogenic. Review status: criteria provided, multiple submitters, no conflicts (2 of 4 stars). 2 submissions from 2 submitters: Pathogenic (2). Last evaluated 2024-05-18.

Conditions:
Bardet-Biedl syndrome 9 (BBS9). Identifiers: Orphanet 110, MedGen C1859567, MONDO:0014437, OMIM 615986.
Early onset severe obesity. Identifiers: MedGen C4013980.

gnomAD v4.1: 5 of 1,614,080 alleles (0.00031%); highest among the groups gnomAD compares: Non-Finnish European, 0.00042%; no homozygotes.

Submissions (2):

Genomic Research Center, Shahid Beheshti University of Medical Sciences
Classification: Pathogenic for Bardet-Biedl syndrome 9. Last evaluated: 2024-05-18. Review status: criteria provided, single submitter. Criteria: ACMG Guidelines, 2015. Collection method: clinical testing. Allele origin: germline. Affected: yes. Observed: 1 homozygote.

Cambridge Genomics Laboratory, East Genomic Laboratory Hub, NHS Genomic Medicine Service
Classification: Pathogenic for Severe early-onset obesity. Last evaluated: 2023-11-28. Review status: criteria provided, single submitter. Criteria: ACGS Best Practice Guidelines for Variant Classification in Rare Disease 2020. Collection method: clinical testing. Allele origin: germline. Affected: yes.
Comment: The p.Gln672Ter variant is novel (not in any individuals) in gnomAD All. The p.Gln672Ter variant is novel (not in any individuals) in 1kG All. The p.Gln672Ter variant is novel (not in any individuals) in gnomAD Genomes v3 All. (PM2 - Moderate) | This variant is a stop gained variant which occurs in an exon of BBS9 upstream of where nonsense mediated decay is predicted to occur. There are 5 downstream pathogenic loss of function variants, with the furthest variant being 174 residues downstream of this variant. This indicates that the region is critical to protein function. The p.Gln672Ter variant is a loss of function variant in the gene BBS9, which is intolerant of Loss of Function variants, as indicated by the presence of existing pathogenic loss of function variant NP_940820.1:p.Q64* and 39 others. (PVS1 - Very Strong) | The variant is observed in trans (in a compound heterozygous state) with another pathogenic variant. (PM3_Supporting - Supporting)